The following is an entry in ClinVar:

ClinVar aggregate classification (germline): Uncertain significance (1 of 4 stars; one submission).

Conditions:
Inborn genetic diseases. Identifiers: MedGen C0950123, MeSH D030342.

Submission:

Ambry Genetics
Classification: Uncertain significance for Inborn genetic diseases. Last evaluated: 2024-11-27. Review status: criteria provided, single submitter. Criteria: Ambry Variant Classification Scheme 2023. Collection method: clinical testing. Allele origin: germline.
Comment: The p.R737S variant (also known as c.2211A>T), located in coding exon 21 of the ANKRD26 gene, results from an A to T substitution at nucleotide position 2211. The arginine at codon 737 is replaced by serine, an amino acid with dissimilar properties. This amino acid position is conserved. In addition, this alteration is predicted to be tolerated by in silico analysis. Based on the available evidence, the clinical significance of this variant remains unclear.

NM_014915.3(ANKRD26):c.2211A>T (p.Arg737Ser)

Gene: ANKRD26 (ankyrin repeat domain containing 26; minus strand). Cytogenetic location: 10p12.1.
Variant type: single nucleotide variant.
Coding change: c.2211A>T on transcript NM_014915.3 (MANE Select); coding-DNA position 2211, A replaced by T.
Protein change: p.Arg737Ser; replaces arginine 737 with serine.
Molecular consequence: missense variant.
Genome position (GRCh38, 1-based): chr10:27,040,129, T>A on the plus strand (A>T on the coding strand, the complement: ANKRD26 is on the minus strand). VCF-style: chr10-27040129-T-A. GRCh37 (hg19) VCF-style: chr10-27329058-T-A.
Other names: c.2208A>T, p.Arg736Ser (NM_001256053.2); short protein forms R736S, R737S.
Identifiers: ClinVar variation 3396835 (VCV003396835.1).